The following is an entry in ClinVar:

ClinVar aggregate classification (germline): Likely pathogenic. Review status: criteria provided, multiple submitters, no conflicts (2 of 4 stars). 3 submissions from 3 submitters: Likely pathogenic (2). 1 of the submissions does not count toward it. Last evaluated 2022-10-07.

Conditions:
Deficiency of steroid 11-beta-monooxygenase (CYP11B1). Also called: STEROID 11-BETA-HYDROXYLASE DEFICIENCY; ADRENAL HYPERPLASIA IV; ADRENAL HYPERPLASIA, CONGENITAL, DUE TO STEROID 11-BETA-HYDROXYLASE DEFICIENCY; 11-BETA-HYDROXYLASE DEFICIENCY; P450C11B1 DEFICIENCY; Congenital adrenal hyperplasia due to 11-beta-hydroxylase deficiency. Identifiers: Orphanet 90795, MedGen C0268292, MONDO:0008729, OMIM 202010. Disease mechanism: loss of function.
CYP11B1-related disorder. Also called: CYP11B1-related condition.

Allele frequency attached by ClinVar (database versions not stated): TOPMed below 0.00001; ExAC 0.00001; ESP Exome Variant Server 0.00008.
gnomAD v4.1: 4 of 1,613,828 alleles (0.00025%); highest among the groups gnomAD compares: Non-Finnish European, 0.00034%; no homozygotes.

Submissions (3):

PreventionGenetics, part of Exact Sciences
Classification: Likely pathogenic for CYP11B1-related condition. Last evaluated: 2022-10-07. Review status: criteria provided, single submitter. Criteria: ACMG Guidelines, 2015. Collection method: clinical testing. Allele origin: germline.
Comment: The CYP11B1 c.1112A>G variant is predicted to result in the amino acid substitution p.Glu371Gly. This substitution was predicted to disrupt the ion pair R374-E371, which is responsible for maintaining the heme-binding site (Khattab et al. 2017. PubMed ID: 28228528). In the compound heterozygous state with a frameshift variant, this variant was reported in an individual with 11-beta-hydroxylase deficiency (Geley et al. 1996. PubMed ID: 8768848). This variant is reported in 0.0062% of alleles in individuals of African descent in gnomAD. This variant is interpreted as likely pathogenic.

Labcorp Genetics (formerly Invitae), Labcorp
Classification: Likely pathogenic. Last evaluated: 2022-09-28. Review status: criteria provided, single submitter. Criteria: Invitae Variant Classification Sherloc (09022015). Collection method: clinical testing. Allele origin: germline.
Comment: In summary, the currently available evidence indicates that the variant is pathogenic, but additional data are needed to prove that conclusively. Therefore, this variant has been classified as Likely Pathogenic. Advanced modeling of protein sequence and biophysical properties (such as structural, functional, and spatial information, amino acid conservation, physicochemical variation, residue mobility, and thermodynamic stability) performed at Invitae indicates that this missense variant is expected to disrupt CYP11B1 protein function. Experimental studies have shown that this missense change affects CYP11B1 function (PMID: 8768848). ClinVar contains an entry for this variant (Variation ID: 554618). This missense change has been observed in individual(s) with congenital adrenal hyperplasia due to 11-beta-hydroxylase deficiency (PMID: 8768848). In at least one individual the data is consistent with being in trans (on the opposite chromosome) from a pathogenic variant. This variant is present in population databases (rs368944209, gnomAD 0.007%). This sequence change replaces glutamic acid, which is acidic and polar, with glycine, which is neutral and non-polar, at codon 371 of the CYP11B1 protein (p.Glu371Gly).

Counsyl
Classification: Uncertain significance for Deficiency of steroid 11-beta-monooxygenase. Last evaluated: 2017-10-27. Review status: no assertion criteria provided. Collection method: clinical testing. Allele origin: unknown. Not counted in ClinVar's aggregate classification.

Literature cited by the submitters: PubMed 8768848 (cited by Labcorp Genetics (formerly Invitae), Labcorp and Counsyl); PubMed 28228528 (cited by Counsyl).

NM_000497.4(CYP11B1):c.1112A>G (p.Glu371Gly)

Genes: CYP11B1 (cytochrome P450 family 11 subfamily B member 1; minus strand), LOC106799833 (CYP11B1 recombination region; plus strand). Cytogenetic location: 8q24.3.
Variant type: single nucleotide variant.
Coding change: c.1112A>G on transcript NM_000497.4 (MANE Select); coding-DNA position 1112, A replaced by G.
Protein change: p.Glu371Gly; replaces glutamic acid 371 with glycine.
Molecular consequence: missense variant.
Genome position (GRCh38, 1-based): chr8:142,875,721, T>C on the plus strand (A>G on the coding strand, the complement: CYP11B1 is on the minus strand). VCF-style: chr8-142875721-T-C. GRCh37 (hg19) VCF-style: chr8-143957137-T-C.
Other names: c.1112A>G, p.Glu371Gly (NM_001026213.1); short protein forms E371G.
Identifiers: ClinVar variation 554618 (VCV000554618.10), dbSNP rs368944209, ClinGen allele CA4905146.